The following is an entry in ClinVar:

ClinVar aggregate classification (germline): Uncertain significance (1 of 4 stars; one submission).

Conditions:
Hereditary cancer-predisposing syndrome. Also called: Neoplastic Syndromes, Hereditary; Tumor predisposition; Hereditary neoplastic syndrome; Hereditary Cancer Syndrome. Identifiers: Orphanet 140162, MedGen C0027672, MeSH D009386, MONDO:0015356.

Submission:

Ambry Genetics
Classification: Uncertain significance for Hereditary cancer-predisposing syndrome. Last evaluated: 2025-03-19. Review status: criteria provided, single submitter. Criteria: Ambry Variant Classification Scheme 2023. Collection method: clinical testing. Allele origin: germline.
Comment: The p.G163V variant (also known as c.488G>T), located in coding exon 2 of the MEN1 gene, results from a G to T substitution at nucleotide position 488. The glycine at codon 163 is replaced by valine, an amino acid with dissimilar properties. This amino acid position is conserved. In addition, this alteration is predicted to be deleterious by in silico analysis. Based on the available evidence, the clinical significance of this variant remains unclear.

NM_001370259.2(MEN1):c.488G>T (p.Gly163Val)

Gene: MEN1 (menin 1; minus strand). Cytogenetic location: 11q13.1.
Variant type: single nucleotide variant.
Coding change: c.488G>T on transcript NM_001370259.2 (MANE Select); coding-DNA position 488, G replaced by T.
Protein change: p.Gly163Val; replaces glycine 163 with valine.
Molecular consequence: missense variant. On other transcripts: non-coding transcript variant (4).
Genome position (GRCh38, 1-based): chr11:64,808,057, C>A on the plus strand (G>T on the coding strand, the complement: MEN1 is on the minus strand). VCF-style: chr11-64808057-C-A. GRCh37 (hg19) VCF-style: chr11-64575529-C-A.
Other names: c.503G>T, p.Gly168Val (NM_000244.4, NM_130800.3, NM_130801.3 and 5 more transcripts); c.488G>T, p.Gly163Val (NM_001370251.2, NM_001370260.2, NM_001370261.2 and 12 more transcripts); short protein forms G163V, G168V.
Identifiers: ClinVar variation 4053789 (VCV004053789.1).